The following is an entry in ClinVar:

NM_001009944.3(PKD1):c.8030dup (p.Leu2678fs)

Gene: PKD1 (polycystin 1, transient receptor potential channel interacting; minus strand). Cytogenetic location: 16p13.3.
Variant type: Duplication.
Coding change: c.8030dup on transcript NM_001009944.3 (MANE Select); coding-DNA position 8030, one base duplicated (A; older notation c.8030dupA).
Protein change: p.Leu2678fs; shifts the reading frame from leucine 2678.
Molecular consequence: frameshift variant.
Genome position (GRCh38, 1-based): chr16:2,104,629, T duplicated on the plus strand (A on the coding strand, the reverse complement: PKD1 is on the minus strand). VCF-style (leftmost placement, unchanged base first): chr16-2104628-C-CT. GRCh37 (hg19) VCF-style: chr16-2154629-C-CT.
Other names: c.8030dup, p.Leu2678fs (NM_000296.4); short protein forms L2678fs.
Identifiers: ClinVar variation 4531552 (VCV004531552.1).

ClinVar aggregate classification (germline): Pathogenic (1 of 4 stars; one submission).

Conditions:
Polycystic kidney disease, adult type (PKD1). Also called: Polycystic Kidney, Autosomal Dominant; POLYCYSTIC KIDNEY DISEASE, ADULT, TYPE I; Polycystic Kidney Disease 1, Autosomal Dominant; Polycystic kidney disease 1; Polycystic kidney disease 1, severe; POLYCYSTIC KIDNEY DISEASE 1 WITH OR WITHOUT POLYCYSTIC LIVER DISEASE. Identifiers: MedGen C3149841, MONDO:0008263, OMIM 173900.

Submission:

Victorian Clinical Genetics Services, Murdoch Childrens Research Institute
Classification: Pathogenic for Polycystic kidney disease, adult type. Last evaluated: 2025-07-29. Review status: criteria provided, single submitter. Criteria: ACMG Guidelines, 2015. Collection method: clinical testing. Allele origin: germline. Affected: yes.
Comment: This variant is classified as Pathogenic. Evidence in support of pathogenic classification: Variant is predicted to cause nonsense-mediated decay (NMD) and loss of protein (premature termination codon is located at least 54 nucleotides upstream of the final exon-exon junction); Variant is absent from gnomAD (v2, v3 and v4); Other NMD-predicted variant(s) comparable to the one identified in this case have very strong previous evidence for pathogenicity (DECIPHER). Additional information: This variant is heterozygous; This gene is associated with autosomal dominant disease. Polycystic kidney disease 1 (MIM#173900) is predominantly caused by monoallelic variants, with rare reports of biallelic variants causing disease (OMIM); Loss of function is a known mechanism of disease in this gene and is associated with polycystic kidney disease 1 (MIM#173900); Inheritance information for this variant is not currently available in this individual.